The following is an entry in ClinVar:

ClinVar aggregate classification (germline): Pathogenic. Review status: criteria provided, single submitter (1 of 4 stars). 2 submissions from 2 submitters: Pathogenic (1). 1 of the submissions does not count toward it. Last evaluated 2023-11-22.

Conditions:
Lobar holoprosencephaly. Identifiers: Orphanet 93924, MedGen C0431362, MONDO:0019756, HP:0006870.

Submissions (2):

GeneDx
Classification: Pathogenic. Last evaluated: 2023-11-22. Review status: criteria provided, single submitter. Criteria: GeneDx Variant Classification Process June 2021. Collection method: clinical testing. Allele origin: germline. Affected: yes.
Comment: Not observed at significant frequency in large population cohorts (gnomAD); In silico analysis supports that this missense variant has a deleterious effect on protein structure/function; This variant is associated with the following publications: (PMID: 27363716)

Laboratory of Molecular Genetics, CHU Rennes
Classification: Likely pathogenic for lobar holoprosencephaly. Last evaluated: 2016-04-13. Review status: no assertion criteria provided. Collection method: clinical testing. Allele origin: paternal. Affected: yes. Not counted in ClinVar's aggregate classification.

NM_023110.3(FGFR1):c.749G>C (p.Arg250Pro)

Gene: FGFR1 (fibroblast growth factor receptor 1; minus strand). Cytogenetic location: 8p11.23.
Variant type: single nucleotide variant.
Coding change: c.749G>C on transcript NM_023110.3 (MANE Select); coding-DNA position 749, G replaced by C.
Protein change: p.Arg250Pro; replaces arginine 250 with proline.
Molecular consequence: missense variant.
Genome position (GRCh38, 1-based): chr8:38,424,696, C>G on the plus strand (G>C on the coding strand, the complement: FGFR1 is on the minus strand). VCF-style: chr8-38424696-C-G. GRCh37 (hg19) VCF-style: chr8-38282214-C-G.
Other names: c.749G>C, p.Arg250Pro (NM_001174063.2); c.725G>C, p.Arg242Pro (NM_001174064.2); c.743G>C, p.Arg248Pro (NM_001174065.2, NM_001354367.2, NM_001354369.2 and 1 more transcripts); c.482G>C, p.Arg161Pro (NM_001174066.2, NM_023105.3); c.842G>C, p.Arg281Pro (NM_001174067.2); c.476G>C, p.Arg159Pro (NM_001354368.2, NM_001354370.2, NM_023106.3); short protein forms R250P, R248P, R281P, R159P, R242P, R161P.
Identifiers: ClinVar variation 235084 (VCV000235084.3), dbSNP rs121909645, ClinGen allele CA10581217.